The following is an entry in ClinVar:

NM_007194.4(CHEK2):c.1009-9del

Gene: CHEK2 (checkpoint kinase 2; minus strand). Cytogenetic location: 22q12.1.
Variant type: Deletion.
Coding change: c.1009-9del on transcript NM_007194.4 (MANE Select); 9 bases into the intron before coding-DNA position 1009, one base deleted (T; older notation c.1009-9delT).
Molecular consequence: intron variant.
Genome position (GRCh38, 1-based): chr22:28,696,996, A deleted on the plus strand (T on the coding strand, the reverse complement: CHEK2 is on the minus strand); the first of 3 consecutive A bases (chr22:28,696,996-28,696,998); deleting any one gives the same sequence. VCF-style (leftmost placement, unchanged base first): chr22-28696995-GA-G. GRCh37 (hg19) VCF-style: chr22-29092983-GA-G.
Other names: c.346-9del (NM_001437942.1, NM_001257387.3); c.808-9del (NM_001349956.3); c.1009-1123del (NM_145862.3); c.1102-1123del (NM_001438295.1); c.1102-9del (NM_001438293.1); c.1138-1123del (NM_001438294.1); c.1138-9del (NM_001005735.3).
Identifiers: ClinVar variation 3651763 (VCV003651763.2).

ClinVar aggregate classification (germline): Uncertain significance (1 of 4 stars; one submission).

Conditions:
Familial cancer of breast. Also called: hereditary breast carcinoma; BREAST CANCER, FAMILIAL; Hereditary breast cancer. Identifiers: Orphanet 227535, MedGen C0346153, MONDO:0016419, OMIM 114480. Disease mechanism: loss of function.

Submission:

Labcorp Genetics (formerly Invitae), Labcorp
Classification: Uncertain significance for Familial cancer of breast. Last evaluated: 2024-05-01. Review status: criteria provided, single submitter. Criteria: Invitae Variant Classification Sherloc (09022015). Collection method: clinical testing. Allele origin: germline.
Comment: This sequence change falls in intron 9 of the CHEK2 gene. It does not directly change the encoded amino acid sequence of the CHEK2 protein. This variant is not present in population databases (gnomAD no frequency). This variant has not been reported in the literature in individuals affected with CHEK2-related conditions. Studies have shown that this variant is associated with inconclusive levels of altered splicing (Invitae). In summary, the available evidence is currently insufficient to determine the role of this variant in disease. Therefore, it has been classified as a Variant of Uncertain Significance.